The following is an entry in ClinVar:

ClinVar aggregate classification (germline): Uncertain significance. Review status: criteria provided, multiple submitters, no conflicts (2 of 4 stars). 2 submissions from 2 submitters: Uncertain significance (2). Last evaluated 2024-01-17.

Conditions:
Hereditary cancer-predisposing syndrome. Also called: Hereditary neoplastic syndrome; Neoplastic Syndromes, Hereditary; Tumor predisposition; Hereditary Cancer Syndrome. Identifiers: Orphanet 140162, MedGen C0027672, MeSH D009386, MONDO:0015356.
Hereditary pheochromocytoma and paraganglioma. Also called: Hereditary pheochromocytoma-paraganglioma; Hereditary Paraganglioma-Pheochromocytoma Syndromes; Hereditary paragangliomas and pheochromocytomas. Identifiers: Orphanet 29072, MedGen C4274332, MONDO:0017366.

Allele frequency attached by ClinVar (database versions not stated): TOPMed below 0.00001.

Submissions (2):

Ambry Genetics
Classification: Uncertain significance for Hereditary cancer-predisposing syndrome. Last evaluated: 2024-01-17. Review status: criteria provided, single submitter. Criteria: Ambry Variant Classification Scheme 2023. Collection method: clinical testing. Allele origin: germline.
Comment: The c.-1G>A variant is located in the 5' untranslated region (5&rsquo; UTR) of the SDHB gene. This variant results from a G to A substitution 1 bases upstream from the first translated codon. This nucleotide position is not well conserved in available vertebrate species. Based on the available evidence, the clinical significance of this alteration remains unclear.

All of Us Research Program, National Institutes of Health
Classification: Uncertain significance for Hereditary pheochromocytoma and paraganglioma. Last evaluated: 2023-06-26. Review status: criteria provided, single submitter. Criteria: ACMG Guidelines, 2015. Collection method: clinical testing. Allele origin: germline. Inheritance: Autosomal dominant inheritance. Observed: 1 variant allele, 1 heterozygote.
Comment: This variant causes a G to A nucleotide substitution at the -1 position in the 5' untranslated region of the SDHB gene. To our knowledge, functional studies have not been reported for this variant. This variant has not been reported in individuals affected with SDHB-related disorders in the literature. This variant has not been identified in the general population by the Genome Aggregation Database (gnomAD). The available evidence is insufficient to determine the role of this variant in disease conclusively. Therefore, this variant is classified as a Variant of Uncertain Significance.

This study involves interpretation of variants in research participants for the purpose of population health screening. Participant phenotype was not available at the time of variant classification. Additional details can be found in publication PMID: 35346344, PMCID: PMC8962531

NM_003000.3(SDHB):c.-1G>A

Gene: SDHB (succinate dehydrogenase complex iron sulfur subunit B; minus strand). Cytogenetic location: 1p36.13.
Variant type: single nucleotide variant.
Coding change: c.-1G>A on transcript NM_003000.3 (MANE Select); 1 bases upstream of the start codon, G replaced by A.
Molecular consequence: 5 prime UTR variant.
Genome position (GRCh38, 1-based): chr1:17,054,020, C>T on the plus strand (G>A on the coding strand, the complement: SDHB is on the minus strand). VCF-style: chr1-17054020-C-T. GRCh37 (hg19) VCF-style: chr1-17380515-C-T.
Other names: c.-1G>A (NM_001407361.1).
Identifiers: ClinVar variation 3071844 (VCV003071844.2), dbSNP rs1315198015, ClinGen allele CA890985844.